The following is an entry in ClinVar:

NM_031924.8(RSPH3):c.1233C>G (p.Ser411=)

Gene: RSPH3 (radial spoke head 3; minus strand). Cytogenetic location: 6q25.3.
Variant type: single nucleotide variant.
Coding change: c.1233C>G on transcript NM_031924.8 (MANE Select); coding-DNA position 1233, C replaced by G.
Protein change: p.Ser411=; no amino-acid change (serine 411 retained).
Molecular consequence: synonymous variant. On other transcripts: non-coding transcript variant (1).
Genome position (GRCh38, 1-based): chr6:158,977,562, G>C on the plus strand (C>G on the coding strand, the complement: RSPH3 is on the minus strand). VCF-style: chr6-158977562-G-C. GRCh37 (hg19) VCF-style: chr6-159398594-G-C.
Other names: c.1371C>G, p.Ser457= (NM_001346418.1).
Identifiers: ClinVar variation 3033091 (VCV003033091.2), dbSNP rs1777884482, ClinGen allele CA452982319.

ClinVar aggregate classification (germline): Likely benign (0 of 4 stars; one submission).

Conditions:
RSPH3-related disorder. Also called: RSPH3-related condition.

Allele frequency attached by ClinVar (database versions not stated): gnomAD 0.00001.
gnomAD v4.1: 1 of 1,612,242 alleles (0.000062%); no homozygotes.

Submission:

PreventionGenetics, part of Exact Sciences
Classification: Likely benign for RSPH3-related condition. Last evaluated: 2024-01-11. Review status: no assertion criteria provided. Collection method: clinical testing. Allele origin: germline.
Comment: This variant is classified as likely benign based on ACMG/AMP sequence variant interpretation guidelines (Richards et al. 2015 PMID: 25741868, with internal and published modifications).